The following is an entry in ClinVar:

ClinVar aggregate classification (germline): Benign/Likely benign. Review status: criteria provided, multiple submitters, no conflicts (2 of 4 stars). 13 submissions from 13 submitters: Benign (2); Likely benign (10). 1 of the submissions does not count toward it. Last evaluated 2026-06-01.

Conditions:
Classic or attenuated familial adenomatous polyposis. Identifiers: MedGen CN372698, MONDO:0021057.
Hereditary cancer-predisposing syndrome. Also called: Tumor predisposition; Hereditary neoplastic syndrome; Hereditary Cancer Syndrome; Neoplastic Syndromes, Hereditary. Identifiers: Orphanet 140162, MedGen C0027672, MeSH D009386, MONDO:0015356.
Familial adenomatous polyposis 1 (FAP1). Also called: POLYPOSIS, ADENOMATOUS INTESTINAL; FAMILIAL ADENOMATOUS POLYPOSIS 1, ATTENUATED. Identifiers: MedGen C2713442, MONDO:0021056, OMIM 175100. Disease mechanism: loss of function.
Carcinoma of colon (CRC). Also called: Colon carcinoma; Colonic carcinoma. Identifiers: MedGen C0699790, MONDO:0002032.

Allele frequency attached by ClinVar (database versions not stated): TOPMed 0.00002; gnomAD 0.00004 and 0.00005; gnomAD exomes 0.00006; ExAC 0.00008; 1000 Genomes Project 30x 0.00031; 1000 Genomes Project 0.00040.
gnomAD v4.1: 93 of 1,613,624 alleles (0.0058%); highest among the groups gnomAD compares: Non-Finnish European, 0.0071%; no homozygotes.

Submissions (13):

CeGaT Center for Human Genetics Tuebingen
Classification: Likely benign. Last evaluated: 2026-06-01. Review status: criteria provided, single submitter. Criteria: CeGaT Center For Human Genetics Tuebingen Variant Classification Criteria Version 2. Collection method: clinical testing. Allele origin: germline. Affected: yes. Observed: 2 variant alleles.
Comment: APC: BP4, BP7

Labcorp Genetics (formerly Invitae), Labcorp
Classification: Likely benign for Familial adenomatous polyposis 1. Last evaluated: 2026-01-26. Review status: criteria provided, single submitter. Criteria: Invitae Variant Classification Sherloc (09022015). Collection method: clinical testing. Allele origin: germline.

Center for Genomic Medicine, Rigshospitalet, Copenhagen University Hospital
Classification: Likely benign. Last evaluated: 2025-03-04. Review status: criteria provided, single submitter. Criteria: ACMG Guidelines, 2015. Collection method: clinical testing. Allele origin: germline.

Blueprint Genetics
Classification: Likely benign. Last evaluated: 2024-06-28. Review status: criteria provided, single submitter. Criteria: ACMG Guidelines, 2015. Collection method: clinical testing. Allele origin: germline.

All of Us Research Program, National Institutes of Health
Classification: Likely benign for Classic or attenuated familial adenomatous polyposis. Last evaluated: 2024-06-09. Review status: criteria provided, single submitter. Criteria: ACMG Guidelines, 2015. Collection method: clinical testing. Allele origin: germline. Inheritance: Autosomal dominant inheritance. Observed: 13 variant alleles, 13 heterozygotes.
Comment: This study involves interpretation of variants in research participants for the purpose of population health screening. Participant phenotype was not available at the time of variant classification. Additional details can be found in publication PMID: 35346344, PMCID: PMC8962531

Myriad Genetics, Inc.
Classification: Benign for Familial adenomatous polyposis 1. Last evaluated: 2024-04-03. Review status: criteria provided, single submitter. Criteria: Myriad Autosomal Dominant, Autosomal Recessive and X-Linked Classification Criteria (2023). Collection method: clinical testing. Allele origin: unknown.
Comment: This variant is considered benign. This variant is a silent/synonymous amino acid change and it is not expected to impact splicing.

Quest Diagnostics Nichols Institute San Juan Capistrano
Classification: Likely benign. Last evaluated: 2023-03-08. Review status: criteria provided, single submitter. Criteria: Quest Diagnostics criteria. Collection method: clinical testing. Allele origin: unknown.

Sema4
Classification: Likely benign for Hereditary cancer-predisposing syndrome. Last evaluated: 2021-04-29. Review status: criteria provided, single submitter. Criteria: Sema4 Curation Guidelines. Collection method: curation. Allele origin: germline.

PreventionGenetics, part of Exact Sciences
Classification: Likely benign. Last evaluated: 2018-01-25. Review status: criteria provided, single submitter. Criteria: ACMG Guidelines, 2015. Collection method: clinical testing. Allele origin: germline.

Color Diagnostics, LLC DBA Color Health
Classification: Likely benign for Hereditary cancer-predisposing syndrome. Last evaluated: 2016-12-06. Review status: criteria provided, single submitter. Criteria: ACMG Guidelines, 2015. Collection method: clinical testing. Allele origin: germline.

GeneDx
Classification: Benign. Last evaluated: 2015-05-14. Review status: criteria provided, single submitter. Criteria: GeneDx Variant Classification (06012015). Collection method: clinical testing. Allele origin: germline. Affected: yes.
Comment: This variant is considered likely benign or benign based on one or more of the following criteria: it is a conservative change, it occurs at a poorly conserved position in the protein, it is predicted to be benign by multiple in silico algorithms, and/or has population frequency not consistent with disease.

Ambry Genetics
Classification: Likely benign for Hereditary cancer-predisposing syndrome. Last evaluated: 2015-04-28. Review status: criteria provided, single submitter. Criteria: Ambry Variant Classification Scheme 2023. Collection method: clinical testing. Allele origin: germline.

Department of Pathology and Laboratory Medicine, Sinai Health System
Classification: Likely benign for Carcinoma of colon. Review status: no assertion criteria provided. Collection method: clinical testing. Allele origin: unknown. Affected: yes. Observed: 1 variant allele. Study: The Canadian Open Genetics Repository (COGR). Not counted in ClinVar's aggregate classification.
Comment: The APC p.Ser2045Ser variant was not identified in the literature. The variant was identified in dbSNP (ID: rs 187297940) â€šÃ„ÃºWith likely benign alleleâ€šÃ„Ã¹, Clinvitae database (as likely benign), ClinVar database (classified as â€šÃ„Ãºlikely benignâ€šÃ„Ã¹ by Invitae) and the Exome Aggregation Consortium (ExAC) database (released Jan 13, 2015) in 8 of 66680 chromosomes (frequency: 0.00012) from a population of European (Non-Finnish) individuals as well as at extremely low frequencies in European (Finnish) (0.00015) and South Asian (0.00006) populations, although this low number of observations and low frequency is not substantive enough to determine the prevalence of the variant in the general population and its relationship to disease. The p.Ser2045Ser variant is not expected to have clinical significance because it does not result in a change of amino acid and is not located in a known consensus splice site. In summary, based on the above information, the clinical significance of this variant cannot be determined with certainty at this time although we would lean towards a more benign role for this variant. This variant is classified as likely benign.

NM_000038.6(APC):c.6135C>T (p.Ser2045=)

Gene: APC (APC regulator of Wnt signaling pathway; plus strand). Cytogenetic location: 5q22.2.
Variant type: single nucleotide variant.
Coding change: c.6135C>T on transcript NM_000038.6 (MANE Select); coding-DNA position 6135, C replaced by T.
Protein change: p.Ser2045=; no amino-acid change (serine 2045 retained).
Molecular consequence: synonymous variant.
Genome position (GRCh38, 1-based): chr5:112,841,729, C>T. VCF-style: chr5-112841729-C-T. GRCh37 (hg19) VCF-style: chr5-112177426-C-T.
Other names: c.6135C>T, p.Ser2045= (NM_001127510.3, NM_001354895.2); c.6081C>T, p.Ser2027= (NM_001127511.3); c.6189C>T, p.Ser2063= (NM_001354896.2); c.6165C>T, p.Ser2055= (NM_001354897.2); c.6060C>T, p.Ser2020= (NM_001354898.2); c.6051C>T, p.Ser2017= (NM_001354899.2); c.6012C>T, p.Ser2004= (NM_001354900.2); c.5958C>T, p.Ser1986= (NM_001354901.2); and 5 more.
Identifiers: ClinVar variation 135711 (VCV000135711.61), dbSNP rs187297940, ClinGen allele CA010960.